The following is an entry in ClinVar:

ClinVar aggregate classification (germline): Likely benign (1 of 4 stars; one submission).

Submission:

CeGaT Center for Human Genetics Tuebingen
Classification: Likely benign. Last evaluated: 2025-11-01. Review status: criteria provided, single submitter. Criteria: CeGaT Center For Human Genetics Tuebingen Variant Classification Criteria Version 2. Collection method: clinical testing. Allele origin: germline. Affected: yes. Observed: 1 variant allele.
Comment: PNPLA2: BP4, BP7

NM_020376.4(PNPLA2):c.1386C>T (p.Arg462=)

Gene: PNPLA2 (patatin like domain 2, triacylglycerol lipase; plus strand). Cytogenetic location: 11p15.5.
Variant type: single nucleotide variant.
Coding change: c.1386C>T on transcript NM_020376.4 (MANE Select); coding-DNA position 1386, C replaced by T.
Protein change: p.Arg462=; no amino-acid change (arginine 462 retained).
Molecular consequence: synonymous variant.
Genome position (GRCh38, 1-based): chr11:824,733, C>T. VCF-style: chr11-824733-C-T. GRCh37 (hg19) VCF-style: chr11-824733-C-T.
Identifiers: ClinVar variation 4535232 (VCV004535232.6).
Genomic context (GRCh38, chr11:824,733, plus strand): 5'-GCTGCTGCTCGGCCTCTTCTGCACCAACGTGGCCTTCCCGCCCGAAGCTCTGCGCATGCG[C>T]GCACCCGCCGACCCGGCTCCCGCCCCCGCGGACCCAGCATCCCCGCAGCACCAGCTGGCC-3'
Protein context (NP_065109.1, residues 452-472): VAFPPEALRM[Arg462=]APADPAPAPA